The following is an entry in ClinVar:

ClinVar aggregate classification (germline): Uncertain significance (1 of 4 stars; one submission).

Conditions:
Severe early-onset pulmonary alveolar proteinosis due to MARS deficiency. Also called: PULMONARY ALVEOLAR PROTEINOSIS, REUNION ISLAND; Interstitial lung and liver disease. Identifiers: Orphanet 440427, MedGen C4225400, MONDO:0014206, OMIM 615486.
Charcot-Marie-Tooth disease axonal type 2U. Also called: CHARCOT-MARIE-TOOTH NEUROPATHY, TYPE 2U; CHARCOT-MARIE-TOOTH DISEASE, AXONAL, AUTOSOMAL DOMINANT, TYPE 2U. Identifiers: Orphanet 397735, MedGen C4084821, MONDO:0014566, OMIM 616280.

Allele frequency attached by ClinVar (database versions not stated): gnomAD exomes below 0.00001 and 0.00001.
gnomAD v4.1: 5 of 1,614,168 alleles (0.00031%); highest among the groups gnomAD compares: Non-Finnish European, 0.00042%; no homozygotes.

Submission:

Labcorp Genetics (formerly Invitae), Labcorp
Classification: Uncertain significance for Charcot-Marie-Tooth disease axonal type 2U; Severe early-onset pulmonary alveolar proteinosis due to MARS deficiency. Last evaluated: 2023-09-21. Review status: criteria provided, single submitter. Criteria: Invitae Variant Classification Sherloc (09022015). Collection method: clinical testing. Allele origin: germline.
Comment: This variant has not been reported in the literature in individuals affected with MARS-related conditions. In summary, the available evidence is currently insufficient to determine the role of this variant in disease. Therefore, it has been classified as a Variant of Uncertain Significance. An algorithm developed to predict the effect of missense changes on protein structure and function (PolyPhen-2) suggests that this variant is likely to be disruptive. ClinVar contains an entry for this variant (Variation ID: 1681703). This variant is present in population databases (no rsID available, gnomAD 0.0009%). This sequence change replaces isoleucine, which is neutral and non-polar, with methionine, which is neutral and non-polar, at codon 268 of the MARS protein (p.Ile268Met).

NM_004990.4(MARS1):c.804C>G (p.Ile268Met)

Gene: MARS1 (methionyl-tRNA synthetase 1; plus strand). Cytogenetic location: 12q13.3.
Variant type: single nucleotide variant.
Coding change: c.804C>G on transcript NM_004990.4 (MANE Select); coding-DNA position 804, C replaced by G.
Protein change: p.Ile268Met; replaces isoleucine 268 with methionine.
Molecular consequence: missense variant.
Genome position (GRCh38, 1-based): chr12:57,498,190, C>G. VCF-style: chr12-57498190-C-G. GRCh37 (hg19) VCF-style: chr12-57891973-C-G.
Other names: short protein forms I268M.
Identifiers: ClinVar variation 1681703 (VCV001681703.6), dbSNP rs1421551773, ClinGen allele CA385454494.